The following is an entry in ClinVar:

NM_000257.4(MYH7):c.253G>A (p.Asp85Asn)

Gene: MYH7 (myosin heavy chain 7; minus strand). Cytogenetic location: 14q11.2.
Variant type: single nucleotide variant.
Coding change: c.253G>A on transcript NM_000257.4 (MANE Select); coding-DNA position 253, G replaced by A.
Protein change: p.Asp85Asn; replaces aspartic acid 85 with asparagine.
Molecular consequence: missense variant.
Genome position (GRCh38, 1-based): chr14:23,433,176, C>T on the plus strand (G>A on the coding strand, the complement: MYH7 is on the minus strand). VCF-style: chr14-23433176-C-T. GRCh37 (hg19) VCF-style: chr14-23902385-C-T.
Other names: c.253G>A (NM_000257.2); short protein forms D85N.
Identifiers: ClinVar variation 651455 (VCV000651455.14), dbSNP rs770246266, ClinGen allele CA389053349.
Genomic context (GRCh38, chr14:23,433,176, plus strand): 5'-GGTTGTAGAGCACCGCGGGCTCATGCAGGAAGGTCAGCATGGCCATGTCCTCGATTTTGT[C>T]GAACTTGGGTGGGTTCTGCTGCATCACCTGGTCCTCCTTCACGGTCACTGTCTGCAAGAG-3'
Protein context (NP_000248.2, residues 75-95): QVMQQNPPKF[Asp85Asn]KIEDMAMLTF

ClinVar aggregate classification (germline): Uncertain significance. Review status: criteria provided, multiple submitters, no conflicts (2 of 4 stars). 4 submissions from 4 submitters: Uncertain significance (4). Last evaluated 2026-09-06.

Conditions:
Hypertrophic cardiomyopathy. Also called: HYPERTROPHIC MYOCARDIOPATHY. Identifiers: Orphanet 217569, MedGen C0007194, MeSH D002312, MONDO:0005045, HP:0001639.
Cardiomyopathy (CMYO). Also called: Cardiomyopathies. Identifiers: Orphanet 167848, MedGen C0878544, MONDO:0004994, HP:0001638. Inheritance: Various modes of inheritance.

Allele frequency attached by ClinVar (database versions not stated): gnomAD 0.00001; gnomAD exomes 0.00001; TOPMed 0.00001.
gnomAD v4.1: 5 of 1,613,984 alleles (0.00031%); highest among the groups gnomAD compares: Admixed American, 0.0033%; no homozygotes.

Submissions (4):

GeneDx
Classification: Uncertain significance. Last evaluated: 2026-09-06. Review status: criteria provided, single submitter. Criteria: GeneDx Variant Classification Process June 2021. Collection method: clinical testing. Allele origin: germline.
Comment: Not observed at significant frequency in large population cohorts (gnomAD); In silico analysis supports that this missense variant has a deleterious effect on protein structure/function; Has not been previously published as pathogenic or benign to our knowledge; Located in the myosin motor domain, a region enriched with missense variants reported in association with HCM (PMID: 27532257, 29300372); This variant is associated with the following publications: (PMID: 27532257, 29300372)

Labcorp Genetics (formerly Invitae), Labcorp
Classification: Uncertain significance for Hypertrophic cardiomyopathy. Last evaluated: 2024-11-04. Review status: criteria provided, single submitter. Criteria: Invitae Variant Classification Sherloc (09022015). Collection method: clinical testing. Allele origin: germline.
Comment: This sequence change replaces aspartic acid, which is acidic and polar, with asparagine, which is neutral and polar, at codon 85 of the MYH7 protein (p.Asp85Asn). This variant is present in population databases (no rsID available, gnomAD 0.003%). This variant has not been reported in the literature in individuals affected with MYH7-related conditions. ClinVar contains an entry for this variant (Variation ID: 651455). Invitae Evidence Modeling of protein sequence and biophysical properties (such as structural, functional, and spatial information, amino acid conservation, physicochemical variation, residue mobility, and thermodynamic stability) indicates that this missense variant is expected to disrupt MYH7 protein function with a positive predictive value of 95%. In summary, the available evidence is currently insufficient to determine the role of this variant in disease. Therefore, it has been classified as a Variant of Uncertain Significance.

All of Us Research Program, National Institutes of Health
Classification: Uncertain significance for Cardiomyopathy. Last evaluated: 2023-04-27. Review status: criteria provided, single submitter. Criteria: ACMG Guidelines, 2015. Collection method: clinical testing. Allele origin: germline. Inheritance: Autosomal dominant inheritance. Observed: 1 variant allele, 1 heterozygote.
Comment: This study involves interpretation of variants in research participants for the purpose of population health screening. Participant phenotype was not available at the time of variant classification. Additional details can be found in publication PMID: 35346344, PMCID: PMC8962531

Color Diagnostics, LLC DBA Color Health
Classification: Uncertain significance for Cardiomyopathy. Last evaluated: 2020-06-24. Review status: criteria provided, single submitter. Criteria: ACMG Guidelines, 2015. Collection method: clinical testing. Allele origin: germline.
Comment: This missense variant replaces aspartic acid with asparagine at codon 85 of the MYH7 protein. Computational prediction is inconclusive regarding the impact of this variant on protein structure and function (internally defined REVEL score threshold 0.5 < inconclusive < 0.7, PMID: 27666373). To our knowledge, functional studies have not been reported for this variant. This variant has not been reported in individuals affected with cardiovascular disorders in the literature. This variant has been identified in 2/251472 chromosomes in the general population by the Genome Aggregation Database (gnomAD). The available evidence is insufficient to determine the role of this variant in disease conclusively. Therefore, this variant is classified as a Variant of Uncertain Significance.